The following is an entry in ClinVar:

NM_001378452.1(ITPR1):c.7513T>C (p.Cys2505Arg)

Gene: ITPR1 (inositol 1,4,5-trisphosphate receptor type 1; plus strand). Cytogenetic location: 3p26.1.
Variant type: single nucleotide variant.
Coding change: c.7513T>C on transcript NM_001378452.1 (MANE Select); coding-DNA position 7513, T replaced by C.
Protein change: p.Cys2505Arg; replaces cysteine 2505 with arginine.
Molecular consequence: missense variant.
Genome position (GRCh38, 1-based): chr3:4,813,186, T>C. VCF-style: chr3-4813186-T-C. GRCh37 (hg19) VCF-style: chr3-4854870-T-C.
Other names: c.7369T>C, p.Cys2457Arg (NM_001099952.4); c.7468T>C, p.Cys2490Arg (NM_001168272.2); c.7324T>C, p.Cys2442Arg (NM_002222.7); short protein forms C2457R, C2505R, C2442R, C2490R.
Identifiers: ClinVar variation 3701439 (VCV003701439.2).

ClinVar aggregate classification (germline): Uncertain significance (1 of 4 stars; one submission).

Submission:

Labcorp Genetics (formerly Invitae), Labcorp
Classification: Uncertain significance. Last evaluated: 2024-06-07. Review status: criteria provided, single submitter. Criteria: Invitae Variant Classification Sherloc (09022015). Collection method: clinical testing. Allele origin: germline.
Comment: This sequence change replaces cysteine, which is neutral and slightly polar, with arginine, which is basic and polar, at codon 2442 of the ITPR1 protein (p.Cys2442Arg). This variant is not present in population databases (gnomAD no frequency). This variant has not been reported in the literature in individuals affected with ITPR1-related conditions. Advanced modeling of protein sequence and biophysical properties (such as structural, functional, and spatial information, amino acid conservation, physicochemical variation, residue mobility, and thermodynamic stability) performed at Invitae indicates that this missense variant is expected to disrupt ITPR1 protein function with a positive predictive value of 80%. In summary, the available evidence is currently insufficient to determine the role of this variant in disease. Therefore, it has been classified as a Variant of Uncertain Significance.